The following is an entry in ClinVar:

NM_001378120.1(MBD5):c.2162C>T (p.Pro721Leu)

Gene: MBD5 (methyl-CpG binding domain protein 5; plus strand). Cytogenetic location: 2q23.1.
Variant type: single nucleotide variant.
Coding change: c.2162C>T on transcript NM_001378120.1 (MANE Select); coding-DNA position 2162, C replaced by T.
Protein change: p.Pro721Leu; replaces proline 721 with leucine.
Molecular consequence: missense variant.
Genome position (GRCh38, 1-based): chr2:148,470,105, C>T. VCF-style: chr2-148470105-C-T. GRCh37 (hg19) VCF-style: chr2-149227674-C-T.
Other names: p.P721L:CCG>CTG; c.2162C>T, p.Pro721Leu (NM_018328.5); short protein forms P721L.
Identifiers: ClinVar variation 206080 (VCV000206080.46), dbSNP rs138639760, ClinGen allele CA315816.
Genomic context (GRCh38, chr2:148,470,105, plus strand): 5'-TGTCTCAGTTACTACAGTCTATGAGTTGTCAAAGCTCTCACTTGAGTAGCAATAGTACCC[C>T]GGGTTGTGGGGCCTCAAATACTGCTTTGCCTTGCTCTGCTAACCAGCTGCATTTTACAGA-3'
Protein context (NP_001365049.1, residues 711-731): QSSHLSSNST[Pro721Leu]GCGASNTALP

ClinVar aggregate classification (germline): Benign/Likely benign. Review status: criteria provided, multiple submitters, no conflicts (2 of 4 stars). 7 submissions from 7 submitters: Benign (2); Likely benign (5). Last evaluated 2025-12-18.

Conditions:
Inborn genetic diseases. Identifiers: MedGen C0950123, MeSH D030342.
Intellectual developmental disorder, autosomal dominant 1. Also called: Intellectual disability, autosomal dominant 1; MBD5 Haploinsufficiency. Identifiers: Orphanet 228402, MedGen C1969562, MONDO:0007974, OMIM 156200.
Intellectual disability. Also called: Intellectual functioning disability; intellectual disabilities; Intellectual developmental disorder. Identifiers: MedGen C3714756, MeSH D008607, MONDO:0001071, HP:0001249.

Allele frequency attached by ClinVar (database versions not stated): gnomAD 0.00017 and 0.00021; gnomAD exomes 0.00017 and 0.00021; ExAC 0.00020; ESP Exome Variant Server 0.00023; TOPMed 0.00026.
gnomAD v4.1: 336 of 1,613,818 alleles (0.021%); highest among the groups gnomAD compares: Non-Finnish European, 0.025%; no homozygotes.

Submissions (7):

Labcorp Genetics (formerly Invitae), Labcorp
Classification: Benign for Intellectual developmental disorder, autosomal dominant 1. Last evaluated: 2025-12-18. Review status: criteria provided, single submitter. Criteria: Invitae Variant Classification Sherloc (09022015). Collection method: clinical testing. Allele origin: germline.

Blueprint Genetics
Classification: Likely benign. Last evaluated: 2024-09-11. Review status: criteria provided, single submitter. Criteria: ACMG Guidelines, 2015. Collection method: clinical testing. Allele origin: germline.

CeGaT Center for Human Genetics Tuebingen
Classification: Likely benign. Last evaluated: 2024-01-01. Review status: criteria provided, single submitter. Criteria: CeGaT Center For Human Genetics Tuebingen Variant Classification Criteria Version 2. Collection method: clinical testing. Allele origin: germline. Affected: yes. Observed: 2 variant alleles.
Comment: MBD5: BP4, BS2

Genetic Services Laboratory, University of Chicago
Classification: Likely benign. Last evaluated: 2020-09-14. Review status: criteria provided, single submitter. Criteria: ACMG Guidelines, 2015. Collection method: clinical testing. Allele origin: germline. Affected: no.

Cambridge Genomics Laboratory, East Genomic Laboratory Hub, NHS Genomic Medicine Service
Classification: Likely benign for Intellectual disability. Last evaluated: 2020-03-30. Review status: criteria provided, single submitter. Criteria: ACGS Best Practice Guidelines for Variant Classification in Rare Disease 2020. Collection method: clinical testing. Allele origin: germline. Affected: yes. Observed: 1 variant allele.

GeneDx
Classification: Likely benign. Last evaluated: 2020-03-13. Review status: criteria provided, single submitter. Criteria: GeneDx Variant Classification Process June 2021. Collection method: clinical testing. Allele origin: germline. Affected: yes.

Ambry Genetics
Classification: Benign for Inborn genetic diseases. Last evaluated: 2018-08-14. Review status: criteria provided, single submitter. Criteria: Ambry General Variant Classification Scheme_2022. Collection method: clinical testing. Allele origin: germline. Observed: 1 variant allele.